The following is an entry in ClinVar:

NM_001257096.2(PAX1):c.131G>A (p.Arg44Gln)

Gene: PAX1 (paired box 1; plus strand). Cytogenetic location: 20p11.22.
Variant type: single nucleotide variant.
Coding change: c.131G>A on transcript NM_001257096.2 (MANE Select); coding-DNA position 131, G replaced by A.
Protein change: p.Arg44Gln; replaces arginine 44 with glutamine.
Molecular consequence: missense variant.
Genome position (GRCh38, 1-based): chr20:21,705,843, G>A. VCF-style: chr20-21705843-G-A. GRCh37 (hg19) VCF-style: chr20-21686481-G-A.
Other names: c.131G>A, p.Arg44Gln (NM_006192.5); short protein forms R44Q.
Identifiers: ClinVar variation 1480127 (VCV001480127.8), dbSNP rs1007891849, ClinGen allele CA313027372.
Genomic context (GRCh38, chr20:21,705,843, plus strand): 5'-CAGGCCCTGGAGCGGGCGGCAGCGCGCTCCGCTGCCGCGCACAGCGCGTCTCCAGCCCGC[G>A]GCTGGGCCGCCGCGGCTCTCGGCTCTCGGGCGCCCTCCCTCTATGCCTCTCACGCGGCGG-3'
Protein context (NP_001244025.1, residues 34-54): RCRAQRVSSP[Arg44Gln]LGRRGSRLSG

ClinVar aggregate classification (germline): Uncertain significance (1 of 4 stars; one submission).

Allele frequency attached by ClinVar (database versions not stated): gnomAD 0.00001; TOPMed 0.00002.

Submission:

Labcorp Genetics (formerly Invitae), Labcorp
Classification: Uncertain significance. Last evaluated: 2024-03-11. Review status: criteria provided, single submitter. Criteria: Invitae Variant Classification Sherloc (09022015). Collection method: clinical testing. Allele origin: germline.
Comment: This sequence change replaces arginine, which is basic and polar, with glutamine, which is neutral and polar, at codon 44 of the PAX1 protein (p.Arg44Gln). This variant is not present in population databases (gnomAD no frequency). This variant has not been reported in the literature in individuals affected with PAX1-related conditions. ClinVar contains an entry for this variant (Variation ID: 1480127). An algorithm developed to predict the effect of missense changes on protein structure and function (PolyPhen-2) suggests that this variant is likely to be tolerated. In summary, the available evidence is currently insufficient to determine the role of this variant in disease. Therefore, it has been classified as a Variant of Uncertain Significance.